The following is an entry in ClinVar:

NM_000548.5(TSC2):c.5270A>C (p.Glu1757Ala)

Gene: TSC2 (TSC complex subunit 2; plus strand). Cytogenetic location: 16p13.3.
Variant type: single nucleotide variant.
Coding change: c.5270A>C on transcript NM_000548.5 (MANE Select); coding-DNA position 5270, A replaced by C.
Protein change: p.Glu1757Ala; replaces glutamic acid 1757 with alanine.
Molecular consequence: missense variant.
Genome position (GRCh38, 1-based): chr16:2,088,456, A>C. VCF-style: chr16-2088456-A-C. GRCh37 (hg19) VCF-style: chr16-2138457-A-C.
Other names: c.5069A>C, p.Glu1690Ala (NM_001077183.3); c.5201A>C, p.Glu1734Ala (NM_001114382.3); c.4961A>C, p.Glu1654Ala (NM_001318827.2); c.4925A>C, p.Glu1642Ala (NM_001318829.2); c.4538A>C, p.Glu1513Ala (NM_001318831.2); c.5102A>C, p.Glu1701Ala (NM_001318832.2); c.5072A>C, p.Glu1691Ala (NM_001363528.2); c.5138A>C, p.Glu1713Ala (NM_001370404.1); and 3 more; short protein forms E1513A, E1714A, E1642A, E1691A, E1757A, E1690A, E1701A, E1710A.
Identifiers: ClinVar variation 1369830 (VCV001369830.9), dbSNP rs2151637961, ClinGen allele CA394315110.

ClinVar aggregate classification (germline): Uncertain significance. Review status: criteria provided, multiple submitters, no conflicts (2 of 4 stars). 4 submissions from 4 submitters: Uncertain significance (4). Last evaluated 2025-08-22.

Conditions:
Tuberous sclerosis 2 (TSC2). Identifiers: Orphanet 805, MedGen C1860707, MONDO:0013199, OMIM 613254.
Hereditary cancer-predisposing syndrome. Also called: Hereditary neoplastic syndrome; Hereditary Cancer Syndrome; Neoplastic Syndromes, Hereditary; Tumor predisposition. Identifiers: Orphanet 140162, MedGen C0027672, MeSH D009386, MONDO:0015356.
Tuberous sclerosis syndrome (TSC). Also called: Tuberous Sclerosis Complex; Tuberous sclerosis. Identifiers: Orphanet 805, MedGen C0041341, MONDO:0001734.

gnomAD v4.1: 2 of 1,612,704 alleles (0.00012%); highest among the groups gnomAD compares: African/African-American, 0.0027%; no homozygotes.

Submissions (4):

Ambry Genetics
Classification: Uncertain significance for Hereditary cancer-predisposing syndrome. Last evaluated: 2025-08-22. Review status: criteria provided, single submitter. Criteria: Ambry Variant Classification Scheme 2023. Collection method: clinical testing. Allele origin: germline.
Comment: The p.E1757A variant (also known as c.5270A>C), located in coding exon 41 of the TSC2 gene, results from an A to C substitution at nucleotide position 5270. The glutamic acid at codon 1757 is replaced by alanine, an amino acid with dissimilar properties. This amino acid position is conserved. In addition, the in silico prediction for this alteration is inconclusive. Based on the available evidence, the clinical significance of this variant remains unclear.

Color Diagnostics, LLC DBA Color Health
Classification: Uncertain significance for Tuberous sclerosis syndrome. Last evaluated: 2025-07-07. Review status: criteria provided, single submitter. Criteria: ACMG Guidelines, 2015. Collection method: clinical testing. Allele origin: germline.
Comment: This missense variant replaces glutamic acid with alanine at codon 1757 of the TSC2 protein. Computational prediction is inconclusive regarding the impact of this variant on protein structure and function. To our knowledge, functional studies have not been reported for this variant. This variant has not been reported in individuals affected with TSC2-related disorders in the literature. This variant has not been identified in the general population by the Genome Aggregation Database (gnomAD). The available evidence is insufficient to determine the role of this variant in disease conclusively. Therefore, this variant is classified as a Variant of Uncertain Significance.

MGZ Medical Genetics Center
Classification: Uncertain significance for Tuberous sclerosis 2. Last evaluated: 2022-08-26. Review status: criteria provided, single submitter. Criteria: ACMG Guidelines, 2015. Collection method: clinical testing. Allele origin: germline. Affected: yes. Observed: 1 variant allele.
Comment: ACMG criteria applied: PM2_SUP, PP3

Labcorp Genetics (formerly Invitae), Labcorp
Classification: Uncertain significance for Tuberous sclerosis 2. Last evaluated: 2021-07-03. Review status: criteria provided, single submitter. Criteria: Invitae Variant Classification Sherloc (09022015). Collection method: clinical testing. Allele origin: germline.
Comment: This sequence change replaces glutamic acid with alanine at codon 1757 of the TSC2 protein (p.Glu1757Ala). The glutamic acid residue is moderately conserved and there is a moderate physicochemical difference between glutamic acid and alanine. This variant is not present in population databases (ExAC no frequency). This variant has not been reported in the literature in individuals affected with TSC2-related conditions. Advanced modeling of protein sequence and biophysical properties (such as structural, functional, and spatial information, amino acid conservation, physicochemical variation, residue mobility, and thermodynamic stability) performed at Invitae indicates that this missense variant is not expected to disrupt TSC2 protein function. In summary, the available evidence is currently insufficient to determine the role of this variant in disease. Therefore, it has been classified as a Variant of Uncertain Significance.